The following is an entry in ClinVar:

NM_000059.4(BRCA2):c.1820A>C (p.Lys607Thr)

Gene: BRCA2 (BRCA2 DNA repair associated; plus strand). Cytogenetic location: 13q13.1.
Variant type: single nucleotide variant.
Coding change: c.1820A>C on transcript NM_000059.4 (MANE Select); coding-DNA position 1820, A replaced by C.
Protein change: p.Lys607Thr; replaces lysine 607 with threonine.
Molecular consequence: missense variant.
Genome position (GRCh38, 1-based): chr13:32,333,298, A>C. VCF-style: chr13-32333298-A-C. GRCh37 (hg19) VCF-style: chr13-32907435-A-C.
Other names: 2048A>C; short protein forms K607T.
Identifiers: ClinVar variation 51207 (VCV000051207.30), dbSNP rs55962656, ClinGen allele CA013463.

ClinVar aggregate classification (germline): Conflicting classifications of pathogenicity. Review status: criteria provided, conflicting classifications (1 of 4 stars). 15 submissions from 15 submitters: Uncertain significance (2); Likely benign (9). 4 of the submissions do not count toward it. Last evaluated 2026-01-13.

Conditions:
Hereditary cancer-predisposing syndrome. Also called: Tumor predisposition; Neoplastic Syndromes, Hereditary; Hereditary neoplastic syndrome; Hereditary Cancer Syndrome. Identifiers: Orphanet 140162, MedGen C0027672, MeSH D009386, MONDO:0015356.
Hereditary breast ovarian cancer syndrome. Also called: Hereditary breast and ovarian cancer; BRCA1- and BRCA2-Associated Hereditary Breast and Ovarian Cancer; Hereditary breast and/or ovarian cancer syndrome; Hereditary breast and ovarian cancer syndrome; Breast and ovarian cancer; Hereditary breast and ovarian cancer syndrome (HBOC). Identifiers: Orphanet 145, MedGen C0677776, MeSH D061325, MONDO:0003582. Disease mechanism: loss of function.
Breast-ovarian cancer, familial, susceptibility to, 2 (BROVCA2). Also called: BRCA2 Hereditary Breast and Ovarian Cancer. Identifiers: Orphanet 145, MedGen C2675520, MONDO:0012933, OMIM 612555. Disease mechanism: loss of function.
Familial cancer of breast. Also called: BREAST CANCER, FAMILIAL; hereditary breast carcinoma; Hereditary breast cancer. Identifiers: Orphanet 227535, MedGen C0346153, MONDO:0016419, OMIM 114480. Disease mechanism: loss of function.

Allele frequency attached by ClinVar (database versions not stated): ExAC 0.00001; gnomAD exomes 0.00002; TOPMed 0.00003.
gnomAD v4.1: 16 of 1,605,918 alleles (0.001%); highest among the groups gnomAD compares: Admixed American, 0.0034%; no homozygotes.

Submissions (15):

Labcorp Genetics (formerly Invitae), Labcorp
Classification: Likely benign for Hereditary breast ovarian cancer syndrome. Last evaluated: 2026-01-13. Review status: criteria provided, single submitter. Criteria: Invitae Variant Classification Sherloc (09022015). Collection method: clinical testing. Allele origin: germline.

Quest Diagnostics Nichols Institute San Juan Capistrano
Classification: Likely benign. Last evaluated: 2023-06-15. Review status: criteria provided, single submitter. Criteria: Quest Diagnostics criteria. Collection method: clinical testing. Allele origin: unknown.

University of Washington Department of Laboratory Medicine, University of Washington
Classification: Likely benign for Hereditary cancer-predisposing syndrome. Last evaluated: 2023-03-23. Review status: criteria provided, single submitter. Criteria: Dines et al. (Genet Med. 2020). Collection method: curation. Allele origin: germline.
Comment: Missense variant in a coldspot region where missense variants are very unlikely to be pathogenic (PMID:31911673).

BRCA2 exon 10 coldspot. Reclassification based on statistical prior probability.

Sema4
Classification: Likely benign for Hereditary cancer-predisposing syndrome. Last evaluated: 2021-02-13. Review status: criteria provided, single submitter. Criteria: Sema4 Curation Guidelines. Collection method: curation. Allele origin: germline.

Blueprint Genetics
Classification: Uncertain significance. Last evaluated: 2020-12-04. Review status: criteria provided, single submitter. Criteria: ACMG Guidelines, 2015. Collection method: clinical testing. Allele origin: germline.

Mendelics
Classification: Likely benign for Breast-ovarian cancer, familial, susceptibility to, 2. Last evaluated: 2019-05-28. Review status: criteria provided, single submitter. Criteria: Mendelics Assertion Criteria 2017. Collection method: clinical testing. Allele origin: unknown.

Institute of Human Genetics, University of Leipzig Medical Center
Classification: Uncertain significance for Familial cancer of breast. Last evaluated: 2019-01-01. Review status: criteria provided, single submitter. Criteria: ACMG Guidelines, 2015. Collection method: clinical testing. Allele origin: unknown. Affected: yes.

Ambry Genetics
Classification: Likely benign for Hereditary cancer-predisposing syndrome. Last evaluated: 2018-08-17. Review status: criteria provided, single submitter. Criteria: Ambry Variant Classification Scheme 2023. Collection method: clinical testing. Allele origin: germline.

GeneDx
Classification: Likely benign. Last evaluated: 2018-07-26. Review status: criteria provided, single submitter. Criteria: GeneDx Variant Classification Process June 2021. Collection method: clinical testing. Allele origin: germline. Affected: yes.
Comment: This variant is associated with the following publications: (PMID: 18375895, 21990134, 25348012, 21990165)

Women's Health and Genetics/Laboratory Corporation of America, LabCorp
Classification: Likely benign. Last evaluated: 2018-02-05. Review status: criteria provided, single submitter. Criteria: LabCorp Variant Classification Summary - May 2015. Collection method: clinical testing. Allele origin: germline.
Comment: Variant summary: BRCA2 c.1820A>C (p.Lys607Thr) results in a non-conservative amino acid change in the encoded protein sequence. Three of four in-silico tools predict a benign effect of the variant on protein function. The variant allele was found at a frequency of 3e-05 in 236036 control chromosomes in gnomAD and literature. This frequency is not significantly higher than expected for a pathogenic variant in BRCA2 causing Hereditary Breast and Ovarian Cancer (3e-05 vs 7.50E-04), allowing no conclusion about variant significance. c.1820A>C has been reported in the literature in individuals affected with Hereditary Breast and Ovarian Cancer (Spurdle_2008) without strong evidence for pathogenicity. Co-occurrences with other pathogenic variant(s) have been reported (BRCA1 c.5563_5563delinsGGATCC, p.Ile1856insGly; BRCA1 c.5503C>T, p.Arg1835X; BRCA2 c.7558C>T, p.Arg2520X), providing supporting evidence for a benign role. To our knowledge, no experimental evidence demonstrating an impact on protein function has been reported. Three clinical diagnostic laboratories have submitted clinical-significance assessments for this variant to ClinVar after 2014 without evidence for independent evaluation. All laboratories classified the variant as benign/likely benign. Based on the evidence outlined above, the variant was classified as likely benign.

Color Diagnostics, LLC DBA Color Health
Classification: Likely benign for Hereditary cancer-predisposing syndrome. Last evaluated: 2018-01-08. Review status: criteria provided, single submitter. Criteria: ACMG Guidelines, 2015. Collection method: clinical testing. Allele origin: germline.

Department of Medical and Surgical Sciences, University of Bologna
Classification: Likely benign for Breast-ovarian cancer, familial, susceptibility to, 2. Last evaluated: 2023-09-01. Review status: no assertion criteria provided. Collection method: clinical testing. Allele origin: germline. Affected: yes. Not counted in ClinVar's aggregate classification.
Comment: BS1(Supporting)+BP1(Strong)+BP5(Supporting) according to ACMG/AMP classification guidelines specified for BRCA1 & BRCA2 (Classification Criteria V1.0.0 2023-09-08) (PMID: 38160042)

Counsyl
Classification: Likely benign for Breast-ovarian cancer, familial, susceptibility to, 2. Last evaluated: 2017-07-05. Review status: no assertion criteria provided. Collection method: clinical testing. Allele origin: unknown. Not counted in ClinVar's aggregate classification.

Sharing Clinical Reports Project (SCRP)
Classification: Benign for Breast-ovarian cancer, familial 2. Last evaluated: 2012-05-01. Review status: no assertion criteria provided. Collection method: clinical testing. Allele origin: germline. Not counted in ClinVar's aggregate classification.

Breast Cancer Information Core (BIC) (BRCA2)
Classification: Uncertain significance for Breast-ovarian cancer, familial 2. Last evaluated: 2002-06-20. Review status: no assertion criteria provided. Collection method: clinical testing. Allele origin: germline. Affected: yes. Observed: 2 variant alleles. Not counted in ClinVar's aggregate classification.

Literature cited by the submitters: PubMed 21990134 (cited by Quest Diagnostics Nichols Institute San Juan Capistrano and Women's Health and Genetics/Laboratory Corporation of America, LabCorp); PubMed 18375895 (cited by 4 submitters); PubMed 28525389 (cited by Quest Diagnostics Nichols Institute San Juan Capistrano and Ambry Genetics); PubMed 30254663 (cited by Quest Diagnostics Nichols Institute San Juan Capistrano and Sema4); PubMed 30212499 (cited by Quest Diagnostics Nichols Institute San Juan Capistrano); PubMed 18951461 (cited by Quest Diagnostics Nichols Institute San Juan Capistrano); PubMed 32438681 (cited by Quest Diagnostics Nichols Institute San Juan Capistrano and Sema4); PubMed 31911673 (cited by Quest Diagnostics Nichols Institute San Juan Capistrano); PubMed 31131967 (cited by Quest Diagnostics Nichols Institute San Juan Capistrano); PubMed 21990165 (cited by Ambry Genetics and Counsyl).